The following is an entry in ClinVar:

NM_018943.3(TUBA8):c.785A>G (p.Tyr262Cys)

Gene: TUBA8 (tubulin alpha 8; plus strand). Cytogenetic location: 22q11.21.
Variant type: single nucleotide variant.
Coding change: c.785A>G on transcript NM_018943.3 (MANE Select); coding-DNA position 785, A replaced by G.
Protein change: p.Tyr262Cys; replaces tyrosine 262 with cysteine.
Molecular consequence: missense variant.
Genome position (GRCh38, 1-based): chr22:18,126,763, A>G. VCF-style: chr22-18126763-A-G. GRCh37 (hg19) VCF-style: chr22-18609530-A-G.
Other names: c.587A>G, p.Tyr196Cys (NM_001193414.2); short protein forms Y196C, Y262C.
Identifiers: ClinVar variation 2092399 (VCV002092399.4), dbSNP rs1602498750, ClinGen allele CA410264183.

ClinVar aggregate classification (germline): Uncertain significance (1 of 4 stars; one submission).

gnomAD v4.1: 1 of 1,613,154 alleles (0.000062%); no homozygotes.

Submission:

Labcorp Genetics (formerly Invitae), Labcorp
Classification: Uncertain significance. Last evaluated: 2022-05-10. Review status: criteria provided, single submitter. Criteria: Invitae Variant Classification Sherloc (09022015). Collection method: clinical testing. Allele origin: germline.
Comment: This sequence change replaces tyrosine, which is neutral and polar, with cysteine, which is neutral and slightly polar, at codon 262 of the TUBA8 protein (p.Tyr262Cys). In summary, the available evidence is currently insufficient to determine the role of this variant in disease. Therefore, it has been classified as a Variant of Uncertain Significance. Algorithms developed to predict the effect of missense changes on protein structure and function are either unavailable or do not agree on the potential impact of this missense change (SIFT: "Deleterious"; PolyPhen-2: "Benign"; Align-GVGD: "Class C55"). This variant has not been reported in the literature in individuals affected with TUBA8-related conditions. This variant is not present in population databases (gnomAD no frequency).